The following is an entry in ClinVar:

ClinVar aggregate classification (germline): Uncertain significance (1 of 4 stars; one submission).

Allele frequency attached by ClinVar (database versions not stated): gnomAD exomes below 0.00001; ExAC 0.00002; TOPMed 0.00002.
gnomAD v4.1: 6 of 1,613,384 alleles (0.00037%); highest among the groups gnomAD compares: Admixed American, 0.01%; no homozygotes.

Submission:

Labcorp Genetics (formerly Invitae), Labcorp
Classification: Uncertain significance. Last evaluated: 2025-08-18. Review status: criteria provided, single submitter. Criteria: Invitae Variant Classification Sherloc (09022015). Collection method: clinical testing. Allele origin: germline.
Comment: This sequence change replaces arginine, which is basic and polar, with glycine, which is neutral and non-polar, at codon 22 of the KIAA0753 protein (p.Arg22Gly). This variant is present in population databases (rs769563482, gnomAD 0.02%). This variant has not been reported in the literature in individuals affected with KIAA0753-related conditions. ClinVar contains an entry for this variant (Variation ID: 2080253). An algorithm developed to predict the effect of missense changes on protein structure and function (PolyPhen-2) suggests that this variant is likely to be tolerated. In summary, the available evidence is currently insufficient to determine the role of this variant in disease. Therefore, it has been classified as a Variant of Uncertain Significance.

NM_014804.3(KIAA0753):c.64A>G (p.Arg22Gly)

Gene: KIAA0753 (KIAA0753; minus strand). Cytogenetic location: 17p13.1.
Variant type: single nucleotide variant.
Coding change: c.64A>G on transcript NM_014804.3 (MANE Select); coding-DNA position 64, A replaced by G.
Protein change: p.Arg22Gly; replaces arginine 22 with glycine.
Molecular consequence: missense variant. On other transcripts: 5 prime UTR variant (1), non-coding transcript variant (3).
Genome position (GRCh38, 1-based): chr17:6,635,040, T>C on the plus strand (A>G on the coding strand, the complement: KIAA0753 is on the minus strand). VCF-style: chr17-6635040-T-C. GRCh37 (hg19) VCF-style: chr17-6538360-T-C.
Other names: c.-1171A>G (NM_001351225.2); short protein forms R22G.
Identifiers: ClinVar variation 2080253 (VCV002080253.4), dbSNP rs769563482, ClinGen allele CA8330858.
Genomic context (GRCh38, chr17:6,635,040, plus strand): 5'-TAATAAAAATCTCAGGCAAAAATAGAACTACCTGGGTCTGAAGTACTTTGGGGTCGCTCC[T>C]CCCATCAAGTTGGGTCCTAGGTGCTAGATGAACACAGGTTGAAGCTGGCTGGCCTGGTCC-3'
Protein context (NP_055619.2, residues 12-32): HLAPRTQLDG[Arg22Gly]SDPKVLQTQN